The following is an entry in ClinVar:

ClinVar aggregate classification (germline): Uncertain significance. Review status: criteria provided, multiple submitters, no conflicts (2 of 4 stars). 4 submissions from 4 submitters: Uncertain significance (4). Last evaluated 2025-11-03.

Conditions:
Inborn genetic diseases. Identifiers: MedGen C0950123, MeSH D030342.

Allele frequency attached by ClinVar (database versions not stated): 1000 Genomes Project 30x 0.00016; 1000 Genomes Project 0.00020; ESP Exome Variant Server 0.00038; gnomAD exomes 0.00002 and 0.00006; ExAC 0.00007; gnomAD 0.00009 and 0.00011; TOPMed 0.00015.
gnomAD v4.1: 38 of 1,613,494 alleles (0.0024%); highest among the groups gnomAD compares: African/African-American, 0.048%; no homozygotes.

Submissions (4):

Ambry Genetics
Classification: Uncertain significance for Inborn genetic diseases. Last evaluated: 2025-11-03. Review status: criteria provided, single submitter. Criteria: Ambry Variant Classification Scheme 2023. Collection method: clinical testing. Allele origin: germline.

Labcorp Genetics (formerly Invitae), Labcorp
Classification: Uncertain significance. Last evaluated: 2024-12-02. Review status: criteria provided, single submitter. Criteria: Invitae Variant Classification Sherloc (09022015). Collection method: clinical testing. Allele origin: germline.
Comment: This sequence change replaces glutamine, which is neutral and polar, with arginine, which is basic and polar, at codon 540 of the FLVCR1 protein (p.Gln540Arg). This variant is present in population databases (rs144226457, gnomAD 0.06%). This variant has not been reported in the literature in individuals affected with FLVCR1-related conditions. ClinVar contains an entry for this variant (Variation ID: 447349). An algorithm developed to predict the effect of missense changes on protein structure and function (PolyPhen-2) suggests that this variant¬†is likely to be tolerated. In summary, the available evidence is currently insufficient to determine the role of this variant in disease. Therefore, it has been classified as a Variant of Uncertain Significance.

Blueprint Genetics
Classification: Uncertain significance. Last evaluated: 2022-10-27. Review status: criteria provided, single submitter. Criteria: ACMG Guidelines, 2015. Collection method: clinical testing. Allele origin: germline.

Athena Diagnostics
Classification: Uncertain significance. Last evaluated: 2017-05-23. Review status: criteria provided, single submitter. Criteria: Athena Diagnostics Criteria. Collection method: clinical testing. Allele origin: germline.

NM_014053.4(FLVCR1):c.1619A>G (p.Gln540Arg)

Gene: FLVCR1 (FLVCR choline and heme transporter 1; plus strand). Cytogenetic location: 1q32.3.
Variant type: single nucleotide variant.
Coding change: c.1619A>G on transcript NM_014053.4 (MANE Select); coding-DNA position 1619, A replaced by G.
Protein change: p.Gln540Arg; replaces glutamine 540 with arginine.
Molecular consequence: missense variant.
Genome position (GRCh38, 1-based): chr1:212,895,241, A>G. VCF-style: chr1-212895241-A-G. GRCh37 (hg19) VCF-style: chr1-213068583-A-G.
Other names: short protein forms Q540R.
Identifiers: ClinVar variation 447349 (VCV000447349.12), dbSNP rs144226457, ClinGen allele CA1386223.
Genomic context (GRCh38, chr1:212,895,241, plus strand): 5'-GCTATACATTTTTAATCTTCTGATTGTTTTTATAGATACCAGCTGACAGTCCCACAGACC[A>G]AGAACCAAAAACGGTTATGTTGTCCAAGCAGTCAGAATCAGCAATTTGAAGAGAAAGGCA-3'
Protein context (NP_054772.1, residues 530-550): KAIPADSPTD[Gln540Arg]EPKTVMLSKQ